The following is an entry in ClinVar:

NM_000843.4(GRM6):c.1295C>A (p.Ala432Glu)

Genes: GRM6 (glutamate metabotropic receptor 6; minus strand), ZNF454 (zinc finger protein 454; plus strand). Cytogenetic location: 5q35.3.
Variant type: single nucleotide variant.
Coding change: c.1295C>A on transcript NM_000843.4 (MANE Select); coding-DNA position 1295, C replaced by A.
Protein change: p.Ala432Glu; replaces alanine 432 with glutamic acid.
Molecular consequence: missense variant.
Genome position (GRCh38, 1-based): chr5:178,988,994, G>T on the plus strand (C>A on the coding strand, the complement: GRM6 is on the minus strand). VCF-style: chr5-178988994-G-T. GRCh37 (hg19) VCF-style: chr5-178415995-G-T.
Other names: short protein forms A432E.
Identifiers: ClinVar variation 1362402 (VCV001362402.8), dbSNP rs377276357, ClinGen allele CA362429972.

ClinVar aggregate classification (germline): Uncertain significance (1 of 4 stars; one submission).

Submission:

Labcorp Genetics (formerly Invitae), Labcorp
Classification: Uncertain significance. Last evaluated: 2021-04-23. Review status: criteria provided, single submitter. Criteria: Invitae Variant Classification Sherloc (09022015). Collection method: clinical testing. Allele origin: germline.
Comment: In summary, the available evidence is currently insufficient to determine the role of this variant in disease. Therefore, it has been classified as a Variant of Uncertain Significance. Advanced modeling of protein sequence and biophysical properties (such as structural, functional, and spatial information, amino acid conservation, physicochemical variation, residue mobility, and thermodynamic stability) performed at Invitae indicates that this missense variant is not expected to disrupt GRM6 protein function. This variant has not been reported in the literature in individuals with GRM6-related conditions. This variant is not present in population databases (ExAC no frequency). This sequence change replaces alanine with glutamic acid at codon 432 of the GRM6 protein (p.Ala432Glu). The alanine residue is moderately conserved and there is a moderate physicochemical difference between alanine and glutamic acid.